The following is an entry in ClinVar:

NM_206937.2(LIG4):c.2609G>A (p.Ser870Asn)

Gene: LIG4 (DNA ligase 4; minus strand). Cytogenetic location: 13q33.3.
Variant type: single nucleotide variant.
Coding change: c.2609G>A on transcript NM_206937.2 (MANE Select); coding-DNA position 2609, G replaced by A.
Protein change: p.Ser870Asn; replaces serine 870 with asparagine.
Molecular consequence: missense variant.
Genome position (GRCh38, 1-based): chr13:108,208,660, C>T on the plus strand (G>A on the coding strand, the complement: LIG4 is on the minus strand). VCF-style: chr13-108208660-C-T. GRCh37 (hg19) VCF-style: chr13-108861008-C-T.
Other names: c.2609G>A, p.Ser870Asn (NM_001098268.2, NM_001352598.2, NM_001352599.2 and 6 more transcripts); c.2408G>A, p.Ser803Asn (NM_001330595.2); c.2645G>A, p.Ser882Asn (NM_001352604.2); short protein forms S882N, S803N, S870N.
Identifiers: ClinVar variation 2115906 (VCV002115906.4), dbSNP rs2501574853, ClinGen allele CA388610624.

ClinVar aggregate classification (germline): Uncertain significance (1 of 4 stars; one submission).

Conditions:
DNA ligase IV deficiency. Identifiers: Orphanet 99812, MedGen C1847827, MONDO:0011686, OMIM 606593.

Submission:

Labcorp Genetics (formerly Invitae), Labcorp
Classification: Uncertain significance for DNA ligase IV deficiency. Last evaluated: 2022-03-23. Review status: criteria provided, single submitter. Criteria: Invitae Variant Classification Sherloc (09022015). Collection method: clinical testing. Allele origin: germline.
Comment: Algorithms developed to predict the effect of missense changes on protein structure and function (SIFT, PolyPhen-2, Align-GVGD) all suggest that this variant is likely to be tolerated. This variant has not been reported in the literature in individuals affected with LIG4-related conditions. This variant is not present in population databases (gnomAD no frequency). This sequence change replaces serine, which is neutral and polar, with asparagine, which is neutral and polar, at codon 870 of the LIG4 protein (p.Ser870Asn). In summary, the available evidence is currently insufficient to determine the role of this variant in disease. Therefore, it has been classified as a Variant of Uncertain Significance.